The following is an entry in ClinVar:

ClinVar aggregate classification (germline): Uncertain significance (1 of 4 stars; one submission).

Submission:

Ambry Genetics
Classification: Uncertain significance. Last evaluated: 2025-07-03. Review status: criteria provided, single submitter. Criteria: Ambry Variant Classification Scheme 2023. Collection method: clinical testing. Allele origin: germline.
Comment: The p.R107G variant (also known as c.319C>G), located in coding exon 1 of the CDK12 gene, results from a C to G substitution at nucleotide position 319. The arginine at codon 107 is replaced by glycine, an amino acid with dissimilar properties. This amino acid position is conserved. In addition, this alteration is predicted to be tolerated by in silico analysis. Based on the available evidence, the clinical significance of this variant remains unclear.

NM_016507.4(CDK12):c.319C>G (p.Arg107Gly)

Genes: CDK12 (cyclin dependent kinase 12; plus strand), LOC126862553 (CDK7 strongly-dependent group 2 enhancer GRCh37_chr17:37618166-37619365; plus strand). Cytogenetic location: 17q12.
Variant type: single nucleotide variant.
Coding change: c.319C>G on transcript NM_016507.4 (MANE Select); coding-DNA position 319, C replaced by G.
Protein change: p.Arg107Gly; replaces arginine 107 with glycine.
Molecular consequence: missense variant.
Genome position (GRCh38, 1-based): chr17:39,462,390, C>G. VCF-style: chr17-39462390-C-G. GRCh37 (hg19) VCF-style: chr17-37618643-C-G.
Other names: c.319C>G, p.Arg107Gly (NM_015083.4); short protein forms R107G.
Identifiers: ClinVar variation 4224248 (VCV004224248.1).
Genomic context (GRCh38, chr17:39,462,390, plus strand): 5'-ATGGCCTTCAAACTAGACCGAAGGGAGAACGACGAACGTCGTGGATCAGATCGGAGCGAC[C>G]GCCTGCACAAACATCGTCACCACCAGCACAGGCGTTCCCGGGACTTACTAAAAGCTAAAC-3'
Protein context (NP_057591.2, residues 97-117): DERRGSDRSD[Arg107Gly]LHKHRHHQHR